The following is an entry in ClinVar:

NM_001114753.3(ENG):c.728C>T (p.Ala243Val)

Gene: ENG (endoglin; minus strand). Cytogenetic location: 9q34.11.
Variant type: single nucleotide variant.
Coding change: c.728C>T on transcript NM_001114753.3 (MANE Select); coding-DNA position 728, C replaced by T.
Protein change: p.Ala243Val; replaces alanine 243 with valine.
Molecular consequence: missense variant.
Genome position (GRCh38, 1-based): chr9:127,825,319, G>A on the plus strand (C>T on the coding strand, the complement: ENG is on the minus strand). VCF-style: chr9-127825319-G-A. GRCh37 (hg19) VCF-style: chr9-130587598-G-A.
Other names: c.728C>T, p.Ala243Val (NM_000118.4, NM_001406715.1); c.182C>T, p.Ala61Val (NM_001278138.2); short protein forms A243V, A61V.
Identifiers: ClinVar variation 2723400 (VCV002723400.3), dbSNP rs991063378, ClinGen allele CA200313501.

ClinVar aggregate classification (germline): Uncertain significance (1 of 4 stars; one submission).

Conditions:
Hereditary hemorrhagic telangiectasia (HHT). Also called: ORW DISEASE; Osler Weber Rendu syndrome; OSLER-RENDU-WEBER DISEASE; Osler hemorrhagic telangiectasia syndrome. Identifiers: Orphanet 774, MedGen C0039445, MONDO:0019180. Disease mechanism: loss of function.

Allele frequency attached by ClinVar (database versions not stated): TOPMed below 0.00001; gnomAD exomes 0.00001.
gnomAD v4.1: 16 of 1,611,050 alleles (0.00099%); highest among the groups gnomAD compares: Non-Finnish European, 0.0012%; no homozygotes.

Submission:

Labcorp Genetics (formerly Invitae), Labcorp
Classification: Uncertain significance for Hereditary hemorrhagic telangiectasia. Last evaluated: 2023-09-20. Review status: criteria provided, single submitter. Criteria: Invitae Variant Classification Sherloc (09022015). Collection method: clinical testing. Allele origin: germline.
Comment: In summary, the available evidence is currently insufficient to determine the role of this variant in disease. Therefore, it has been classified as a Variant of Uncertain Significance. Advanced modeling of protein sequence and biophysical properties (such as structural, functional, and spatial information, amino acid conservation, physicochemical variation, residue mobility, and thermodynamic stability) performed at Invitae indicates that this missense variant is not expected to disrupt ENG protein function. This variant has not been reported in the literature in individuals affected with ENG-related conditions. This variant is not present in population databases (gnomAD no frequency). This sequence change replaces alanine, which is neutral and non-polar, with valine, which is neutral and non-polar, at codon 243 of the ENG protein (p.Ala243Val).